The following is an entry in ClinVar:

ClinVar aggregate classification (germline): Uncertain significance (1 of 4 stars; one submission).

Conditions:
Intellectual developmental disorder with poor growth and with or without seizures or ataxia. Identifiers: MedGen C5394135, MONDO:0032930, OMIM 618808.

Allele frequency attached by ClinVar (database versions not stated): TOPMed below 0.00001; ExAC 0.00003; gnomAD exomes 0.00003; gnomAD 0.00004.
gnomAD v4.1: 45 of 1,338,340 alleles (0.0034%); highest among the groups gnomAD compares: South Asian, 0.046%; no homozygotes.

Submission:

Neuberg Centre For Genomic Medicine, NCGM
Classification: Uncertain significance for Intellectual developmental disorder with poor growth and with or without seizures or ataxia. Review status: criteria provided, single submitter. Criteria: ACMG Guidelines, 2015. Collection method: clinical testing. Allele origin: germline. Inheritance: Autosomal recessive inheritance. Affected: yes.
Comment: The splice region variant c.276-5T>C in ABCA2 gene has not been reported previously as a pathogenic variant nor as a benign variant, to our knowledge. The variant is reported with 0.006% allele frequency in gnomAD Exomes and is novel not in any individuals in1000 Genomes.This splice region variant in intron 4 affects the position five nucleotides upstream of exon 5. For these reasons, this variant has been classified as Uncertain Significance.

NM_001606.5(ABCA2):c.276-5T>C

Gene: ABCA2 (ATP binding cassette subfamily A member 2; minus strand). Cytogenetic location: 9q34.3.
Variant type: single nucleotide variant.
Coding change: c.276-5T>C on transcript NM_001606.5 (MANE Select); 5 bases into the intron before coding-DNA position 276, T replaced by C.
Molecular consequence: intron variant.
Genome position (GRCh38, 1-based): chr9:137,022,870, A>G on the plus strand (T>C on the coding strand, the complement: ABCA2 is on the minus strand). VCF-style: chr9-137022870-A-G. GRCh37 (hg19) VCF-style: chr9-139917322-A-G.
Other names: c.366-5T>C (NM_212533.3); c.273-5T>C (NM_001411042.1).
Identifiers: ClinVar variation 3234918 (VCV003234918.1), dbSNP rs763810923, ClinGen allele CA5355892.